The following is an entry in ClinVar:

NM_000642.3(AGL):c.3362+1G>A

Gene: AGL (amylo-alpha-1,6-glucosidase and 4-alpha-glucanotransferase; plus strand). Cytogenetic location: 1p21.2.
Variant type: single nucleotide variant.
Coding change: c.3362+1G>A on transcript NM_000642.3 (MANE Select); the canonical splice donor site of the intron after coding-DNA position 3362, G replaced by A.
Molecular consequence: splice donor variant.
Genome position (GRCh38, 1-based): chr1:99,896,389, G>A. VCF-style: chr1-99896389-G-A. GRCh37 (hg19) VCF-style: chr1-100361945-G-A.
Other names: c.3341+1G>A (NM_001425326.1); c.3161+1G>A (NM_001425327.1); c.3158+1G>A (NM_001425328.1); c.3023+1G>A (NM_001425329.1); c.2984+1G>A (NM_001425332.1); c.3362+1G>A (NM_001425325.1, NM_000028.3, NM_000643.3 and 1 more transcripts); c.3314+1G>A (NM_000646.3).
Identifiers: ClinVar variation 556821 (VCV000556821.16), dbSNP rs1553189468, ClinGen allele CA341329032.

ClinVar aggregate classification (germline): Pathogenic/Likely pathogenic. Review status: criteria provided, multiple submitters, no conflicts (2 of 4 stars). 4 submissions from 4 submitters: Pathogenic (2); Likely pathogenic (1). 1 of the submissions does not count toward it. Last evaluated 2026-01-11.

Conditions:
Glycogen storage disease type III (GSD3). Also called: FORBES DISEASE; Cori disease. Identifiers: Orphanet 366, MedGen C0017922, MONDO:0009291, OMIM 232400.

Allele frequency attached by ClinVar (database versions not stated): gnomAD exomes below 0.00001.
gnomAD v4.1: 1 of 1,607,060 alleles (0.000062%); highest among the groups gnomAD compares: Non-Finnish European, 0.000085%; no homozygotes.

Submissions (4):

Labcorp Genetics (formerly Invitae), Labcorp
Classification: Pathogenic for Glycogen storage disease type III. Last evaluated: 2026-01-11. Review status: criteria provided, single submitter. Criteria: Invitae Variant Classification Sherloc (09022015). Collection method: clinical testing. Allele origin: germline.
Comment: This sequence change affects a donor splice site in intron 25 of the AGL gene. It is expected to disrupt RNA splicing. Variants that disrupt the donor or acceptor splice site typically lead to a loss of protein function (PMID: 16199547), and loss-of-function variants in AGL are known to be pathogenic (PMID: 19299494). This variant is not present in population databases (gnomAD no frequency). Disruption of this splice site has been observed in individuals with clinical features of glycogen storage disease type III (PMID: 10472540; internal data). ClinVar contains an entry for this variant (Variation ID: 556821). Algorithms developed to predict the effect of sequence changes on RNA splicing suggest that this variant may disrupt the consensus splice site. For these reasons, this variant has been classified as Pathogenic.

Baylor Genetics
Classification: Pathogenic for Glycogen storage disease type III. Last evaluated: 2022-07-17. Review status: criteria provided, single submitter. Criteria: ACMG Guidelines, 2015. Collection method: clinical testing. Allele origin: unknown.

Genome-Nilou Lab
Classification: Likely pathogenic for Glycogen storage disease type III. Last evaluated: 2021-07-15. Review status: criteria provided, single submitter. Criteria: ACMG Guidelines, 2015. Collection method: clinical testing. Allele origin: germline. Affected: no.

Counsyl
Classification: Likely pathogenic for Glycogen storage disease type III. Last evaluated: 2018-02-20. Review status: no assertion criteria provided. Collection method: clinical testing. Allele origin: unknown. Not counted in ClinVar's aggregate classification.

Literature cited by the submitters: PubMed 16199547 (cited by Labcorp Genetics (formerly Invitae), Labcorp); PubMed 19299494 (cited by Labcorp Genetics (formerly Invitae), Labcorp); PubMed 10472540 (cited by Labcorp Genetics (formerly Invitae), Labcorp).